The following is an entry in ClinVar:

NM_001395413.1(POR):c.507G>A (p.Ala169=)

Gene: POR (cytochrome p450 oxidoreductase; plus strand). Cytogenetic location: 7q11.23.
Variant type: single nucleotide variant.
Coding change: c.507G>A on transcript NM_001395413.1 (MANE Select); coding-DNA position 507, G replaced by A.
Protein change: p.Ala169=; no amino-acid change (alanine 169 retained).
Molecular consequence: synonymous variant.
Genome position (GRCh38, 1-based): chr7:75,980,488, G>A. VCF-style: chr7-75980488-G-A. GRCh37 (hg19) VCF-style: chr7-75609806-G-A.
Other names: c.516G>A, p.Ala172= (NM_000941.3); c.507G>A, p.Ala169= (NM_001367562.3, NM_001382657.2, NM_001382658.3 and 2 more transcripts); c.561G>A, p.Ala187= (NM_001382655.3).
Identifiers: ClinVar variation 2077768 (VCV002077768.4), dbSNP rs782798260, ClinGen allele CA4303652.
Genomic context (GRCh38, chr7:75,980,488, plus strand): 5'-CCAGGACTTCTACGACTGGCTGCAGGAGACAGACGTGGATCTCTCTGGGGTCAAGTTCGC[G>A]GTGAGTCACCCAGAGACTGCTATGGGCTCCCGGTGGCCTGCGGTGCCTCCCTGGGGACTC-3'
Protein context (NP_001382342.1, residues 159-179): TDVDLSGVKF[Ala169=]VFGLGNKTYE

ClinVar aggregate classification (germline): Uncertain significance (1 of 4 stars; one submission).

Conditions:
Congenital adrenal hyperplasia due to cytochrome P450 oxidoreductase deficiency. Also called: DISORDERED STEROIDOGENESIS DUE TO POR DEFICIENCY. Identifiers: Orphanet 95699, MedGen C1860042, MONDO:0013310, OMIM 613571.

Allele frequency attached by ClinVar (database versions not stated): ExAC 0.00002; gnomAD exomes 0.00002; gnomAD 0.00006; TOPMed 0.00006.
gnomAD v4.1: 32 of 1,612,710 alleles (0.002%); highest among the groups gnomAD compares: Admixed American, 0.0033%; no homozygotes.

Submissions (3):

Labcorp Genetics (formerly Invitae), Labcorp
Classification: Uncertain significance for Congenital adrenal hyperplasia due to cytochrome P450 oxidoreductase deficiency. Last evaluated: 2026-01-12. Review status: criteria provided, single submitter. Criteria: Invitae Variant Classification Sherloc (09022015). Collection method: clinical testing. Allele origin: germline.
Comment: This sequence change affects codon 172 of the POR mRNA. It is a 'silent' change, meaning that it does not change the encoded amino acid sequence of the POR protein. This variant also falls at the last nucleotide of exon 5, which is part of the consensus splice site for this exon. This variant is present in population databases (rs782798260, gnomAD 0.004%). This variant has been observed in individual(s) with clinical features of POR-related conditions (PMID: 35635658). ClinVar contains an entry for this variant (Variation ID: 2077768). Variants that disrupt the consensus splice site are a relatively common cause of aberrant splicing (PMID: 17576681, 9536098). Algorithms developed to predict the effect of sequence changes on RNA splicing suggest that this variant is not likely to affect RNA splicing. In summary, the available evidence is currently insufficient to determine the role of this variant in disease. Therefore, it has been classified as a Variant of Uncertain Significance.

Dr. Peter K. Rogan Lab, Western University
No classification provided (evidence only). Condition: Gastric cancer. Review status: no classification provided. Collection method: in vitro. Allele origin: not applicable. Functional consequence: retained intron. Not counted in ClinVar's aggregate classification.

Dr. Peter K. Rogan Lab, Western University
No classification provided (evidence only). Condition: Lymphoma. Review status: no classification provided. Collection method: in vitro. Allele origin: not applicable. Functional consequence: retained intron. Not counted in ClinVar's aggregate classification.

Literature cited by the submitters: PubMed 35635658 (cited by Labcorp Genetics (formerly Invitae), Labcorp); PubMed 17576681 (cited by Labcorp Genetics (formerly Invitae), Labcorp); PubMed 9536098 (cited by Labcorp Genetics (formerly Invitae), Labcorp).